The following is an entry in ClinVar:

NM_015047.3(EMC1):c.863G>A (p.Arg288Gln)

Genes: EMC1 (ER membrane protein complex subunit 1; minus strand), EMC1-AS1 (EMC1 antisense RNA 1; plus strand). Cytogenetic location: 1p36.13.
Variant type: single nucleotide variant.
Coding change: c.863G>A on transcript NM_015047.3 (MANE Select); coding-DNA position 863, G replaced by A.
Protein change: p.Arg288Gln; replaces arginine 288 with glutamine.
Molecular consequence: missense variant.
Genome position (GRCh38, 1-based): chr1:19,239,909, C>T on the plus strand (G>A on the coding strand, the complement: EMC1 is on the minus strand). VCF-style: chr1-19239909-C-T. GRCh37 (hg19) VCF-style: chr1-19566403-C-T.
Other names: c.863G>A, p.Arg288Gln (NM_001271427.2, NM_001271428.2, NM_001375820.1 and 1 more transcripts); c.797G>A, p.Arg266Gln (NM_001271429.2); short protein forms R266Q, R288Q.
Identifiers: ClinVar variation 1467217 (VCV001467217.8), dbSNP rs766309539, ClinGen allele CA652767.

ClinVar aggregate classification (germline): Uncertain significance (1 of 4 stars; one submission).

Allele frequency attached by ClinVar (database versions not stated): gnomAD exomes below 0.00001 and 0.00001; ExAC 0.00001; gnomAD 0.00001.
gnomAD v4.1: 7 of 1,613,930 alleles (0.00043%); highest among the groups gnomAD compares: East Asian, 0.0045%; no homozygotes.

Submission:

Labcorp Genetics (formerly Invitae), Labcorp
Classification: Uncertain significance. Last evaluated: 2024-06-30. Review status: criteria provided, single submitter. Criteria: Invitae Variant Classification Sherloc (09022015). Collection method: clinical testing. Allele origin: germline.
Comment: This sequence change replaces arginine, which is basic and polar, with glutamine, which is neutral and polar, at codon 288 of the EMC1 protein (p.Arg288Gln). This variant is present in population databases (rs766309539, gnomAD 0.01%). This variant has not been reported in the literature in individuals affected with EMC1-related conditions. ClinVar contains an entry for this variant (Variation ID: 1467217). Advanced modeling of protein sequence and biophysical properties (such as structural, functional, and spatial information, amino acid conservation, physicochemical variation, residue mobility, and thermodynamic stability) performed at Invitae indicates that this missense variant is not expected to disrupt EMC1 protein function with a negative predictive value of 80%. In summary, the available evidence is currently insufficient to determine the role of this variant in disease. Therefore, it has been classified as a Variant of Uncertain Significance.